The following is an entry in ClinVar:

NM_145239.3(PRRT2):c.1012+5G>A

Genes: MVP-DT (MVP divergent transcript; minus strand), PRRT2 (proline rich transmembrane protein 2; plus strand). Cytogenetic location: 16p11.2.
Variant type: single nucleotide variant.
Coding change: c.1012+5G>A on transcript NM_145239.3 (MANE Select); 5 bases into the intron after coding-DNA position 1012, G replaced by A.
Molecular consequence: intron variant. On other transcripts: synonymous variant (1), 3 prime UTR variant (1).
Genome position (GRCh38, 1-based): chr16:29,814,470, G>A. VCF-style: chr16-29814470-G-A. GRCh37 (hg19) VCF-style: chr16-29825791-G-A.
Other names: c.1017G>A, p.Glu339= (NM_001256442.2); c.*516G>A (NM_001256443.2).
Identifiers: ClinVar variation 1696935 (VCV001696935.2), dbSNP rs2142429667, ClinGen allele CA494583006.
Genomic context (GRCh38, chr16:29,814,470, plus strand): 5'-GGCGCTGGTGGGGGGAGTCCTCATCATCATCGCCTCCTGCGTCATCAACTTAGGCGGTGA[G>A]TGGGGGCTTGGGACAGGCAGGGGAGGAATGGAAGGGTTGGCAAGGGCAGCTTTACTAACC-3'

ClinVar aggregate classification (germline): Uncertain significance (1 of 4 stars; one submission).

Submission:

GeneDx
Classification: Uncertain significance. Last evaluated: 2022-01-07. Review status: criteria provided, single submitter. Criteria: GeneDx Variant Classification Process June 2021. Collection method: clinical testing. Allele origin: germline. Affected: yes.
Comment: Not observed at significant frequency in large population cohorts (gnomAD); In-silico analysis is inconclusive as to whether the variant alters gene splicing. In the absence of RNA/functional studies, the actual effect of this sequence change is unknown.; This variant is associated with the following publications: (PMID: 32392383)